The following is an entry in ClinVar:

NM_000038.6(APC):c.5718A>G (p.Ser1906=)

Gene: APC (APC regulator of Wnt signaling pathway; plus strand). Cytogenetic location: 5q22.2.
Variant type: single nucleotide variant.
Coding change: c.5718A>G on transcript NM_000038.6 (MANE Select); coding-DNA position 5718, A replaced by G.
Protein change: p.Ser1906=; no amino-acid change (serine 1906 retained).
Molecular consequence: synonymous variant.
Genome position (GRCh38, 1-based): chr5:112,841,312, A>G. VCF-style: chr5-112841312-A-G. GRCh37 (hg19) VCF-style: chr5-112177009-A-G.
Other names: c.5718A>G, p.Ser1906= (NM_001127510.3, NM_001354895.2); c.5664A>G, p.Ser1888= (NM_001127511.3); c.5772A>G, p.Ser1924= (NM_001354896.2); c.5748A>G, p.Ser1916= (NM_001354897.2); c.5643A>G, p.Ser1881= (NM_001354898.2); c.5634A>G, p.Ser1878= (NM_001354899.2); c.5595A>G, p.Ser1865= (NM_001354900.2); c.5541A>G, p.Ser1847= (NM_001354901.2); and 5 more.
Identifiers: ClinVar variation 416733 (VCV000416733.12), dbSNP rs1060504879, ClinGen allele CA16611846.

ClinVar aggregate classification (germline): Benign/Likely benign. Review status: criteria provided, multiple submitters, no conflicts (2 of 4 stars). 3 submissions from 3 submitters: Benign (1); Likely benign (2). Last evaluated 2024-04-02.

Conditions:
Hereditary cancer-predisposing syndrome. Also called: Tumor predisposition; Neoplastic Syndromes, Hereditary; Hereditary neoplastic syndrome; Hereditary Cancer Syndrome. Identifiers: Orphanet 140162, MedGen C0027672, MeSH D009386, MONDO:0015356.
Familial adenomatous polyposis 1 (FAP1). Also called: FAMILIAL ADENOMATOUS POLYPOSIS 1, ATTENUATED; POLYPOSIS, ADENOMATOUS INTESTINAL. Identifiers: MedGen C2713442, MONDO:0021056, OMIM 175100. Disease mechanism: loss of function.

Submissions (3):

Myriad Genetics, Inc.
Classification: Benign for Familial adenomatous polyposis 1. Last evaluated: 2024-04-02. Review status: criteria provided, single submitter. Criteria: Myriad Autosomal Dominant, Autosomal Recessive and X-Linked Classification Criteria (2023). Collection method: clinical testing. Allele origin: unknown.
Comment: This variant is considered benign. This variant is a silent/synonymous amino acid change and it is not expected to impact splicing.

Labcorp Genetics (formerly Invitae), Labcorp
Classification: Likely benign for Familial adenomatous polyposis 1. Last evaluated: 2023-09-30. Review status: criteria provided, single submitter. Criteria: Invitae Variant Classification Sherloc (09022015). Collection method: clinical testing. Allele origin: germline.

Ambry Genetics
Classification: Likely benign for Hereditary cancer-predisposing syndrome. Last evaluated: 2023-08-30. Review status: criteria provided, single submitter. Criteria: Ambry Variant Classification Scheme 2023. Collection method: clinical testing. Allele origin: germline.